The following is an entry in ClinVar:

NM_003060.4(SLC22A5):c.113C>T (p.Ser38Phe)

Gene: SLC22A5 (solute carrier family 22 member 5; plus strand). Cytogenetic location: 5q31.1.
Variant type: single nucleotide variant.
Coding change: c.113C>T on transcript NM_003060.4 (MANE Select); coding-DNA position 113, C replaced by T.
Protein change: p.Ser38Phe; replaces serine 38 with phenylalanine.
Molecular consequence: missense variant.
Genome position (GRCh38, 1-based): chr5:132,370,085, C>T. VCF-style: chr5-132370085-C-T. GRCh37 (hg19) VCF-style: chr5-131705777-C-T.
Other names: c.113C>T, p.Ser38Phe (NM_001308122.2); short protein forms S38F.
Identifiers: ClinVar variation 4847487 (VCV004847487.1).
Genomic context (GRCh38, chr5:132,370,085, plus strand): 5'-AGCGCCTCATCTTCTTCCTGCTCAGCGCCAGCATCATCCCCAATGGCTTCACCGGCCTGT[C>T]CTCCGTGTTCCTGATAGCGACCCCGGAGCACCGCTGCCGGGTGCCGGACGCCGCGAACCT-3'
Protein context (NP_003051.1, residues 28-48): SIIPNGFTGL[Ser38Phe]SVFLIATPEH

ClinVar aggregate classification (germline): Uncertain significance (1 of 4 stars; one submission).

gnomAD v4.1: 2 of 1,612,824 alleles (0.00012%); highest among the groups gnomAD compares: Non-Finnish European, 0.00017%; no homozygotes.

Submission:

Women's Health and Genetics/Laboratory Corporation of America, LabCorp
Classification: Uncertain significance. Last evaluated: 2026-03-30. Review status: criteria provided, single submitter. Criteria: LabCorp Variant Classification Summary - May 2015. Collection method: clinical testing. Allele origin: germline.
Comment: Variant summary: SLC22A5 c.113C>T (p.Ser38Phe) results in a non-conservative amino acid change in the encoded protein sequence. Algorithms developed to predict the effect of missense changes on protein structure and function all suggest that this variant is likely to be disruptive. The variant allele was found at a frequency of 4e-06 in 247138 control chromosomes (gnomAD). The available data on variant occurrences in the general population are insufficient to allow any conclusion about variant significance. To our knowledge, no occurrence of c.113C>T in individuals affected with SLC22A5-related conditions and no experimental evidence demonstrating its impact on protein function have been reported. No submitters have cited clinical-significance assessments for this variant to ClinVar. Based on the evidence outlined above, the variant was classified as uncertain significance.